The following is an entry in ClinVar:

ClinVar aggregate classification (germline): Likely benign. Review status: criteria provided, multiple submitters, no conflicts (2 of 4 stars). 2 submissions from 2 submitters: Likely benign (2). Last evaluated 2026-02-06.

gnomAD v4.1: 473 of 1,608,588 alleles (0.029%); highest among the groups gnomAD compares: African/African-American, 0.56%; 9 homozygotes.

Submissions (2):

Women's Health and Genetics/Laboratory Corporation of America, LabCorp
Classification: Likely benign. Last evaluated: 2026-02-06. Review status: criteria provided, single submitter. Criteria: LabCorp Variant Classification Summary - May 2015. Collection method: clinical testing. Allele origin: germline.
Comment: Variant summary: CFHR4 c.1084T>C (p.Tyr362His) results in a conservative amino acid change in the encoded protein sequence. Algorithms developed to predict the effect of missense changes on protein structure and function all suggest that this variant is likely to be tolerated. The variant allele was found at a frequency of 0.00044 in 245952 control chromosomes, predominantly at a frequency of 0.0067 within the African or African-American subpopulation in the gnomAD database, including 4 homozygotes. The observed variant frequency within African or African-American control individuals in the gnomAD database exceeds the estimated maximal expected allele frequency for disease-causing variants in CFHR4. To our knowledge, no occurrence of c.1084T>C in individuals affected with CFHR4-related conditions and no experimental evidence demonstrating its impact on protein function have been reported. No submitters have cited clinical-significance assessments for this variant to ClinVar. Based on the evidence outlined above, the variant was classified as likely benign.

Mayo Clinic Laboratories, Mayo Clinic
Classification: Likely benign. Last evaluated: 2024-03-20. Review status: criteria provided, single submitter. Criteria: ACMG Guidelines, 2015. Collection method: clinical testing. Allele origin: germline. Observed: 6 variant alleles.
Comment: BS1, BP4

Literature cited by the submitters: PubMed 29148534 (cited by Mayo Clinic Laboratories, Mayo Clinic).

NM_001201550.3(CFHR4):c.1084T>C (p.Tyr362His)

Gene: CFHR4 (complement factor H related 4; plus strand). Cytogenetic location: 1q31.3.
Variant type: single nucleotide variant.
Coding change: c.1084T>C on transcript NM_001201550.3 (MANE Select); coding-DNA position 1084, T replaced by C.
Protein change: p.Tyr362His; replaces tyrosine 362 with histidine.
Molecular consequence: missense variant.
Genome position (GRCh38, 1-based): chr1:196,912,826, T>C. VCF-style: chr1-196912826-T-C. GRCh37 (hg19) VCF-style: chr1-196881956-T-C.
Other names: p.Tyr361His; c.1081T>C, p.Tyr361His (NM_001201551.2); c.343T>C, p.Tyr115His (NM_006684.5); short protein forms Y115H, Y361H, Y362H.
Identifiers: ClinVar variation 4683993 (VCV004683993.2).